The following is an entry in ClinVar:

NM_015047.3(EMC1):c.1988A>G (p.His663Arg)

Genes: EMC1 (ER membrane protein complex subunit 1; minus strand), EMC1-AS1 (EMC1 antisense RNA 1; plus strand). Cytogenetic location: 1p36.13.
Variant type: single nucleotide variant.
Coding change: c.1988A>G on transcript NM_015047.3 (MANE Select); coding-DNA position 1988, A replaced by G.
Protein change: p.His663Arg; replaces histidine 663 with arginine.
Molecular consequence: missense variant.
Genome position (GRCh38, 1-based): chr1:19,230,920, T>C on the plus strand (A>G on the coding strand, the complement: EMC1 is on the minus strand). VCF-style: chr1-19230920-T-C. GRCh37 (hg19) VCF-style: chr1-19557414-T-C.
Other names: c.1985A>G, p.His662Arg (NM_001271427.2, NM_001271428.2); c.1922A>G, p.His641Arg (NM_001271429.2); c.1997A>G, p.His666Arg (NM_001375820.1); c.1994A>G, p.His665Arg (NM_001375821.1); c.1988A>G (NM_015047.1); short protein forms H666R, H641R, H662R, H663R, H665R.
Identifiers: ClinVar variation 1905648 (VCV001905648.6), dbSNP rs1388369324, ClinGen allele CA338758753.
Genomic context (GRCh38, chr1:19,230,920, plus strand): 5'-CCACACAGCCGTCCCTGCTCTGCATCCACCAAATAGAAGAAGATGGAAGGGGCAAGCTCA[T>C]GTAGCTGTCGCAAGACATTCCGAGTGGCTGGAAAAGCTGTGACCTTGAAAAACCCAGAGA-3'
Protein context (NP_055862.1, residues 653-673): PATRNVLRQL[His663Arg]ELAPSIFFYL

ClinVar aggregate classification (germline): Uncertain significance. Review status: criteria provided, multiple submitters, no conflicts (2 of 4 stars). 2 submissions from 2 submitters: Uncertain significance (2). Last evaluated 2025-04-08.

Conditions:
Inborn genetic diseases. Identifiers: MedGen C0950123, MeSH D030342.

Submissions (2):

Ambry Genetics
Classification: Uncertain significance for Inborn genetic diseases. Last evaluated: 2025-04-08. Review status: criteria provided, single submitter. Criteria: Ambry Variant Classification Scheme 2023. Collection method: clinical testing. Allele origin: germline.

Labcorp Genetics (formerly Invitae), Labcorp
Classification: Uncertain significance. Last evaluated: 2022-04-28. Review status: criteria provided, single submitter. Criteria: Invitae Variant Classification Sherloc (09022015). Collection method: clinical testing. Allele origin: germline.
Comment: This sequence change replaces histidine, which is basic and polar, with arginine, which is basic and polar, at codon 663 of the EMC1 protein (p.His663Arg). This variant is present in population databases (no rsID available, gnomAD 0.007%). This variant has not been reported in the literature in individuals affected with EMC1-related conditions. Algorithms developed to predict the effect of missense changes on protein structure and function output the following: SIFT: "Tolerated"; PolyPhen-2: "Benign"; Align-GVGD: "Class C0". The arginine amino acid residue is found in multiple mammalian species, which suggests that this missense change does not adversely affect protein function. In summary, the available evidence is currently insufficient to determine the role of this variant in disease. Therefore, it has been classified as a Variant of Uncertain Significance.